The following is an entry in ClinVar:

NM_005188.4(CBL):c.2695T>G (p.Ser899Ala)

Gene: CBL (Cbl proto-oncogene; plus strand). Cytogenetic location: 11q23.3.
Variant type: single nucleotide variant.
Coding change: c.2695T>G on transcript NM_005188.4 (MANE Select); coding-DNA position 2695, T replaced by G.
Protein change: p.Ser899Ala; replaces serine 899 with alanine.
Molecular consequence: missense variant.
Genome position (GRCh38, 1-based): chr11:119,299,755, T>G. VCF-style: chr11-119299755-T-G. GRCh37 (hg19) VCF-style: chr11-119170465-T-G.
Other names: short protein forms S899A.
Identifiers: ClinVar variation 3224652 (VCV003224652.1), dbSNP rs2496976293, ClinGen allele CA382934297.

ClinVar aggregate classification (germline): Uncertain significance (1 of 4 stars; one submission).

Conditions:
Cardiovascular phenotype. Identifiers: MedGen CN230736.

Submission:

Ambry Genetics
Classification: Uncertain significance for Cardiovascular phenotype. Last evaluated: 2023-10-15. Review status: criteria provided, single submitter. Criteria: Ambry Variant Classification Scheme 2023. Collection method: clinical testing. Allele origin: germline.
Comment: The p.S899A variant (also known as c.2695T>G), located in coding exon 16 of the CBL gene, results from a T to G substitution at nucleotide position 2695. The serine at codon 899 is replaced by alanine, an amino acid with similar properties. This amino acid position is conserved. In addition, this alteration is predicted to be tolerated by in silico analysis. Since supporting evidence is limited at this time, the clinical significance of this alteration remains unclear.